The following is an entry in ClinVar:

ClinVar aggregate classification (germline): Uncertain significance (1 of 4 stars; one submission).

Conditions:
Familial thoracic aortic aneurysm and aortic dissection (TAAD). Also called: Thoracic aortic aneurysms and dissections. Identifiers: Orphanet 91387, MedGen C4707243, MONDO:0019625.

Submission:

Color Diagnostics, LLC DBA Color Health
Classification: Uncertain significance for Familial thoracic aortic aneurysm and aortic dissection. Last evaluated: 2019-06-19. Review status: criteria provided, single submitter. Criteria: ACMG Guidelines, 2015. Collection method: clinical testing. Allele origin: germline.
Comment: This missense variant replaces proline with leucine at codon 202 of the COL3A1 protein. Computational prediction tools and conservation analyses are inconclusive regarding the impact of this variant on the protein function. Computational splicing tools suggest that this variant may not impact RNA splicing. To our knowledge, functional assays have not been performed for this variant nor has this variant been reported in individuals affected with cardiovascular disorders in the literature. This variant has not been identified in the general population by the Genome Aggregation Database (gnomAD). Available evidence is insufficient to determine the role of this variant in disease conclusively. Therefore, this variant is classified as a Variant of Uncertain Significance.

NM_000090.4(COL3A1):c.605C>T (p.Pro202Leu)

Gene: COL3A1 (collagen type III alpha 1 chain; plus strand). Cytogenetic location: 2q32.2.
Variant type: single nucleotide variant.
Coding change: c.605C>T on transcript NM_000090.4 (MANE Select); coding-DNA position 605, C replaced by T.
Protein change: p.Pro202Leu; replaces proline 202 with leucine.
Molecular consequence: missense variant.
Genome position (GRCh38, 1-based): chr2:188,988,612, C>T. VCF-style: chr2-188988612-C-T. GRCh37 (hg19) VCF-style: chr2-189853338-C-T.
Other names: short protein forms P202L.
Identifiers: ClinVar variation 920876 (VCV000920876.3), dbSNP rs1688111694, ClinGen allele CA349848356.